The following is an entry in ClinVar:

ClinVar aggregate classification (germline): Uncertain significance (1 of 4 stars; one submission).

Submission:

GeneDx
Classification: Uncertain significance. Last evaluated: 2024-09-16. Review status: criteria provided, single submitter. Criteria: GeneDx Variant Classification Process June 2021. Collection method: clinical testing. Allele origin: germline. Affected: yes.
Comment: Not observed at significant frequency in large population cohorts (gnomAD); In silico analysis supports that this missense variant has a deleterious effect on protein structure/function; Has not been previously published as pathogenic or benign to our knowledge

NM_170606.3(KMT2C):c.3242G>A (p.Cys1081Tyr)

Gene: KMT2C (lysine methyltransferase 2C; minus strand). Cytogenetic location: 7q36.1.
Variant type: single nucleotide variant.
Coding change: c.3242G>A on transcript NM_170606.3 (MANE Select); coding-DNA position 3242, G replaced by A.
Protein change: p.Cys1081Tyr; replaces cysteine 1081 with tyrosine.
Molecular consequence: missense variant.
Genome position (GRCh38, 1-based): chr7:152,224,096, C>T on the plus strand (G>A on the coding strand, the complement: KMT2C is on the minus strand). VCF-style: chr7-152224096-C-T. GRCh37 (hg19) VCF-style: chr7-151921181-C-T.
Other names: short protein forms C1081Y.
Identifiers: ClinVar variation 1305730 (VCV001305730.4), dbSNP rs2129147782, ClinGen allele CA370109919.